The following is an entry in ClinVar:

NM_012309.5(SHANK2):c.4736C>T (p.Pro1579Leu)

Gene: SHANK2 (SH3 and multiple ankyrin repeat domains 2; minus strand). Cytogenetic location: 11q13.3.
Variant type: single nucleotide variant.
Coding change: c.4736C>T on transcript NM_012309.5 (MANE Select); coding-DNA position 4736, C replaced by T.
Protein change: p.Pro1579Leu; replaces proline 1579 with leucine.
Molecular consequence: missense variant.
Genome position (GRCh38, 1-based): chr11:70,485,557, G>A on the plus strand (C>T on the coding strand, the complement: SHANK2 is on the minus strand). VCF-style: chr11-70485557-G-A. GRCh37 (hg19) VCF-style: chr11-70331662-G-A.
Other names: c.3599C>T, p.Pro1200Leu (NM_001379226.1); c.4856C>T, p.Pro1619Leu (NM_001441024.1); c.4685C>T, p.Pro1562Leu (NM_001441025.1, NM_001441026.1, NM_001441027.1 and 8 more transcripts); c.3569C>T, p.Pro1190Leu (NM_001441040.1); c.3521C>T, p.Pro1174Leu (NM_001441041.1); c.2963C>T, p.Pro988Leu (NM_001441042.1); c.2951C>T, p.Pro984Leu (NM_001441043.1); c.2942C>T, p.Pro981Leu (NM_001441044.1); and 6 more; short protein forms P1174L, P1190L, P1200L, P1538L, P1553L, P1562L, P1579L, P1619L.
Identifiers: ClinVar variation 4872580 (VCV004872580.2).

ClinVar aggregate classification (germline): Likely benign (1 of 4 stars; one submission).

gnomAD v4.1: 50 of 1,612,948 alleles (0.0031%); highest among the groups gnomAD compares: Middle Eastern, 0.016%; no homozygotes.

Submission:

CeGaT Center for Human Genetics Tuebingen
Classification: Likely benign. Last evaluated: 2026-06-01. Review status: criteria provided, single submitter. Criteria: CeGaT Center For Human Genetics Tuebingen Variant Classification Criteria Version 2. Collection method: clinical testing. Allele origin: germline. Affected: yes. Observed: 1 variant allele.
Comment: SHANK2: BP4